The following is an entry in ClinVar:

NM_013254.4(TBK1):c.1319G>A (p.Arg440Gln)

Gene: TBK1 (TANK binding kinase 1; plus strand). Cytogenetic location: 12q14.2.
Variant type: single nucleotide variant.
Coding change: c.1319G>A on transcript NM_013254.4 (MANE Select); coding-DNA position 1319, G replaced by A.
Protein change: p.Arg440Gln; replaces arginine 440 with glutamine.
Molecular consequence: missense variant.
Genome position (GRCh38, 1-based): chr12:64,485,996, G>A. VCF-style: chr12-64485996-G-A. GRCh37 (hg19) VCF-style: chr12-64879776-G-A.
Other names: c.1319G>A (NM_013254.3); short protein forms R440Q.
Identifiers: ClinVar variation 2746045 (VCV002746045.6), dbSNP rs773161577, ClinGen allele CA6669032.

ClinVar aggregate classification (germline): Uncertain significance. Review status: criteria provided, multiple submitters, no conflicts (2 of 4 stars). 2 submissions from 2 submitters: Uncertain significance (2). Last evaluated 2025-12-30.

Conditions:
TBK1-related disorder. Also called: TBK1-related condition.
Frontotemporal dementia and/or amyotrophic lateral sclerosis 4. Also called: FTDALS4. Identifiers: Orphanet 275872, MedGen C4225325, MONDO:0014641, OMIM 616439.

Allele frequency attached by ClinVar (database versions not stated): ExAC 0.00001; gnomAD 0.00001; gnomAD exomes 0.00001; TOPMed 0.00002.
gnomAD v4.1: 10 of 1,589,488 alleles (0.00063%); highest among the groups gnomAD compares: African/African-American, 0.0014%; no homozygotes.

Submissions (2):

PreventionGenetics, part of Exact Sciences
Classification: Uncertain significance for TBK1-related condition. Last evaluated: 2025-12-30. Review status: criteria provided, single submitter. Criteria: ACMG Guidelines, 2015. Collection method: clinical testing. Allele origin: germline.
Comment: The TBK1 c.1319G>A variant is predicted to result in the amino acid substitution p.Arg440Gln. This variant has been reported in an individual with amyotrophic lateral sclerosis (Nunes Gonçalves et al. 2021. PubMed ID: 33618928). In vitro analysis demonstrate that this variant impacts protein binding and localization (Oyston et al. 2022. DOI 10.1101/2022.06.02.494603, not peer-reviewed). This variant is reported in 0.0028% of alleles in individuals of European (Non-Finnish) descent in gnomAD. At this time, the clinical significance of this variant is uncertain due to the absence of conclusive functional and genetic evidence.

Labcorp Genetics (formerly Invitae), Labcorp
Classification: Uncertain significance for Frontotemporal dementia and/or amyotrophic lateral sclerosis 4. Last evaluated: 2024-08-03. Review status: criteria provided, single submitter. Criteria: Invitae Variant Classification Sherloc (09022015). Collection method: clinical testing. Allele origin: germline.
Comment: This sequence change replaces arginine, which is basic and polar, with glutamine, which is neutral and polar, at codon 440 of the TBK1 protein (p.Arg440Gln). This variant is present in population databases (rs773161577, gnomAD 0.003%). This missense change has been observed in individual(s) with amyotrophic lateral sclerosis (PMID: 33618928; Invitae). Advanced modeling of protein sequence and biophysical properties (such as structural, functional, and spatial information, amino acid conservation, physicochemical variation, residue mobility, and thermodynamic stability) performed at Invitae indicates that this missense variant is not expected to disrupt TBK1 protein function with a negative predictive value of 95%. In summary, the available evidence is currently insufficient to determine the role of this variant in disease. Therefore, it has been classified as a Variant of Uncertain Significance.

Literature cited by the submitters: PubMed 33618928 (cited by Labcorp Genetics (formerly Invitae), Labcorp).